The following is an entry in ClinVar:

ClinVar aggregate classification (germline): Uncertain significance (1 of 4 stars; one submission).

gnomAD v4.1: 28 of 1,612,768 alleles (0.0017%); highest among the groups gnomAD compares: Non-Finnish European, 0.0023%; no homozygotes.

Submission:

Labcorp Genetics (formerly Invitae), Labcorp
Classification: Uncertain significance. Last evaluated: 2023-04-23. Review status: criteria provided, single submitter. Criteria: Invitae Variant Classification Sherloc (09022015). Collection method: clinical testing. Allele origin: germline.
Comment: In summary, the available evidence is currently insufficient to determine the role of this variant in disease. Therefore, it has been classified as a Variant of Uncertain Significance. An algorithm developed to predict the effect of missense changes on protein structure and function (PolyPhen-2) suggests that this variant is likely to be tolerated. ClinVar contains an entry for this variant (Variation ID: 1683037). This variant has not been reported in the literature in individuals affected with MKL1-related conditions. This variant is present in population databases (rs199750225, gnomAD 0.002%). This sequence change replaces valine, which is neutral and non-polar, with leucine, which is neutral and non-polar, at codon 498 of the MKL1 protein (p.Val498Leu).

NM_020831.6(MRTFA):c.1792G>C (p.Val598Leu)

Gene: MRTFA (myocardin related transcription factor A; minus strand). Cytogenetic location: 22q13.1.
Variant type: single nucleotide variant.
Coding change: c.1792G>C on transcript NM_020831.6 (MANE Select); coding-DNA position 1792, G replaced by C.
Protein change: p.Val598Leu; replaces valine 598 with leucine.
Molecular consequence: missense variant.
Genome position (GRCh38, 1-based): chr22:40,418,946, C>G on the plus strand (G>C on the coding strand, the complement: MRTFA is on the minus strand). VCF-style: chr22-40418946-C-G. GRCh37 (hg19) VCF-style: chr22-40814950-C-G.
Other names: c.1492G>C, p.Val498Leu (NM_001282660.2); c.1642G>C, p.Val548Leu (NM_001282661.3); c.1792G>C, p.Val598Leu (NM_001282662.3); c.1597G>C, p.Val533Leu (NM_001318139.2); short protein forms V498L, V533L, V548L, V598L.
Identifiers: ClinVar variation 1683037 (VCV001683037.6), dbSNP rs199750225, ClinGen allele CA10249551.